The following is an entry in ClinVar:

NM_000540.3(RYR1):c.4284C>T (p.Asn1428=)

Gene: RYR1 (ryanodine receptor 1; plus strand). Cytogenetic location: 19q13.2.
Variant type: single nucleotide variant.
Coding change: c.4284C>T on transcript NM_000540.3 (MANE Select); coding-DNA position 4284, C replaced by T.
Protein change: p.Asn1428=; no amino-acid change (asparagine 1428 retained).
Molecular consequence: synonymous variant.
Genome position (GRCh38, 1-based): chr19:38,475,441, C>T. VCF-style: chr19-38475441-C-T. GRCh37 (hg19) VCF-style: chr19-38966081-C-T.
Other names: c.4284C>T, p.Asn1428= (NM_001042723.2).
Identifiers: ClinVar variation 698821 (VCV000698821.12), dbSNP rs139622869, ClinGen allele CA065827.

ClinVar aggregate classification (germline): Likely benign. Review status: criteria provided, multiple submitters, no conflicts (2 of 4 stars). 4 submissions from 4 submitters: Likely benign (4). Last evaluated 2026-01-28.

Conditions:
Malignant hyperthermia, susceptibility to, 1 (MHS1). Also called: RYR1-Related Malignant Hyperthermia Susceptibility; Anesthesia related hyperthermia; Malignant hyperpyrexia; Fulminating hyperpyrexia; Pharmacogenic myopathy; Malignant hyperthermia suceptibility 1. Identifiers: Orphanet 423, MedGen C2930980, MONDO:0007783, OMIM 145600.
RYR1-related disorder. Also called: RYR1-related condition; RYR1-related disorders. Identifiers: MedGen CN239331.

Allele frequency attached by ClinVar (database versions not stated): gnomAD exomes 0.00004 and 0.00002; ESP Exome Variant Server 0.00008; gnomAD 0.00001; ExAC 0.00002; TOPMed 0.00003.
gnomAD v4.1: 63 of 1,613,680 alleles (0.0039%); highest among the groups gnomAD compares: Non-Finnish European, 0.0053%; no homozygotes.

Submissions (4):

Labcorp Genetics (formerly Invitae), Labcorp
Classification: Likely benign for RYR1-related disorder. Last evaluated: 2026-01-28. Review status: criteria provided, single submitter. Criteria: Invitae Variant Classification Sherloc (09022015). Collection method: clinical testing. Allele origin: germline.

PreventionGenetics, part of Exact Sciences
Classification: Likely benign for RYR1-related condition. Last evaluated: 2024-11-09. Review status: criteria provided, single submitter. Criteria: ACMG Guidelines, 2015. Collection method: clinical testing. Allele origin: germline.
Comment: This variant is classified as likely benign based on ACMG/AMP sequence variant interpretation guidelines (Richards et al. 2015 PMID: 25741868, with internal and published modifications).

All of Us Research Program, National Institutes of Health
Classification: Likely benign for Malignant hyperthermia, susceptibility to, 1. Last evaluated: 2024-02-05. Review status: criteria provided, single submitter. Criteria: ACMG Guidelines, 2015. Collection method: clinical testing. Allele origin: germline. Inheritance: Autosomal dominant inheritance. Observed: 12 variant alleles, 12 heterozygotes.
Comment: This study involves interpretation of variants in research participants for the purpose of population health screening. Participant phenotype was not available at the time of variant classification. Additional details can be found in publication PMID: 35346344, PMCID: PMC8962531

Color Diagnostics, LLC DBA Color Health
Classification: Likely benign for Malignant hyperthermia, susceptibility to, 1. Last evaluated: 2022-11-06. Review status: criteria provided, single submitter. Criteria: ACMG Guidelines, 2015. Collection method: clinical testing. Allele origin: germline.